The following is an entry in ClinVar:

ClinVar aggregate classification (germline): Uncertain significance (1 of 4 stars; one submission).

Conditions:
Neutrophil immunodeficiency syndrome. Also called: Immunodeficiency 73A with defective neutrophil chemotaxis and leukocytosis. Identifiers: Orphanet 183707, MedGen C1842398, MONDO:0011988, OMIM 608203.

Allele frequency attached by ClinVar (database versions not stated): gnomAD exomes below 0.00001.

Submission:

Labcorp Genetics (formerly Invitae), Labcorp
Classification: Uncertain significance for Neutrophil immunodeficiency syndrome. Last evaluated: 2021-06-29. Review status: criteria provided, single submitter. Criteria: Invitae Variant Classification Sherloc (09022015). Collection method: clinical testing. Allele origin: germline.
Comment: This sequence change replaces arginine with tryptophan at codon 102 of the RAC2 protein (p.Arg102Trp). The arginine residue is highly conserved and there is a moderate physicochemical difference between arginine and tryptophan. This variant is not present in population databases (ExAC no frequency). This variant has not been reported in the literature in individuals with RAC2-related conditions. Algorithms developed to predict the effect of missense changes on protein structure and function are either unavailable or do not agree on the potential impact of this missense change (SIFT: "Deleterious"; PolyPhen-2: "Probably Damaging"; Align-GVGD: "Class C15"). In summary, the available evidence is currently insufficient to determine the role of this variant in disease. Therefore, it has been classified as a Variant of Uncertain Significance.

NM_002872.5(RAC2):c.304C>T (p.Arg102Trp)

Gene: RAC2 (Rac family small GTPase 2; minus strand). Cytogenetic location: 22q13.1.
Variant type: single nucleotide variant.
Coding change: c.304C>T on transcript NM_002872.5 (MANE Select); coding-DNA position 304, C replaced by T.
Protein change: p.Arg102Trp; replaces arginine 102 with tryptophan.
Molecular consequence: missense variant.
Genome position (GRCh38, 1-based): chr22:37,231,375, G>A on the plus strand (C>T on the coding strand, the complement: RAC2 is on the minus strand). VCF-style: chr22-37231375-G-A. GRCh37 (hg19) VCF-style: chr22-37627415-G-A.
Other names: short protein forms R102W.
Identifiers: ClinVar variation 1478191 (VCV001478191.8), dbSNP rs1415916204, ClinGen allele CA411443105.